The following is an entry in ClinVar:

NM_001267550.2(TTN):c.105227C>T (p.Ser35076Leu)

Genes: TTN (titin; minus strand), TTN-AS1 (TTN antisense RNA 1; plus strand). Cytogenetic location: 2q31.2.
Variant type: single nucleotide variant.
Coding change: c.105227C>T on transcript NM_001267550.2 (MANE Select); coding-DNA position 105227, C replaced by T.
Protein change: p.Ser35076Leu; replaces serine 35076 with leucine.
Molecular consequence: missense variant.
Genome position (GRCh38, 1-based): chr2:178,531,388, G>A on the plus strand (C>T on the coding strand, the complement: TTN is on the minus strand). VCF-style: chr2-178531388-G-A. GRCh37 (hg19) VCF-style: chr2-179396115-G-A.
Other names: c.100304C>T, p.Ser33435Leu (NM_001256850.1); c.78032C>T, p.Ser26011Leu (NM_003319.4); c.97523C>T, p.Ser32508Leu (NM_133378.4); c.78407C>T, p.Ser26136Leu (NM_133432.3); c.78608C>T, p.Ser26203Leu (NM_133437.4); short protein forms S26011L, S26136L, S26203L, S32508L, S35076L, S33435L.
Identifiers: ClinVar variation 1437713 (VCV001437713.9), dbSNP rs747940468, ClinGen allele CA1985290.

ClinVar aggregate classification (germline): Uncertain significance. Review status: criteria provided, multiple submitters, no conflicts (2 of 4 stars). 2 submissions from 2 submitters: Uncertain significance (2). Last evaluated 2023-10-14.

Conditions:
Cardiovascular phenotype. Identifiers: MedGen CN230736.
Dilated cardiomyopathy 1G (CMD1G). Identifiers: Orphanet 154, MedGen C1858763, MONDO:0011400, OMIM 604145.
Autosomal recessive limb-girdle muscular dystrophy type 2J (LGMDR10). Also called: Limb-girdle muscular dystrophy, type 2J; MUSCULAR DYSTROPHY, LIMB-GIRDLE, AUTOSOMAL RECESSIVE 10. Identifiers: Orphanet 140922, MedGen C1837342, MONDO:0012127, OMIM 608807.

Allele frequency attached by ClinVar (database versions not stated): gnomAD exomes below 0.00001; TOPMed below 0.00001; ExAC 0.00001; gnomAD 0.00002.
gnomAD v4.1: 5 of 1,613,908 alleles (0.00031%); highest among the groups gnomAD compares: Middle Eastern, 0.016%; no homozygotes.

Submissions (2):

Labcorp Genetics (formerly Invitae), Labcorp
Classification: Uncertain significance for Dilated cardiomyopathy 1G; Autosomal recessive limb-girdle muscular dystrophy type 2J. Last evaluated: 2023-10-14. Review status: criteria provided, single submitter. Criteria: Invitae Variant Classification Sherloc (09022015). Collection method: clinical testing. Allele origin: germline.
Comment: This sequence change replaces serine, which is neutral and polar, with leucine, which is neutral and non-polar, at codon 35076 of the TTN protein (p.Ser35076Leu). This variant is present in population databases (rs747940468, gnomAD 0.005%). This variant has not been reported in the literature in individuals affected with TTN-related conditions. ClinVar contains an entry for this variant (Variation ID: 1437713). Experimental studies and prediction algorithms are not available or were not evaluated, and the functional significance of this variant is currently unknown. This variant is located in the M band of TTN (PMID: 25589632). Variants in this region may be relevant for neuromuscular disorders, but have not been definitively shown to cause cardiomyopathy (PMID: 23975875). In summary, the available evidence is currently insufficient to determine the role of this variant in disease. Therefore, it has been classified as a Variant of Uncertain Significance.

Ambry Genetics
Classification: Uncertain significance for Cardiovascular phenotype. Last evaluated: 2018-11-05. Review status: criteria provided, single submitter. Criteria: Ambry Variant Classification Scheme 2023. Collection method: clinical testing. Allele origin: germline.
Comment: The p.S26011L variant (also known as c.78032C>T), located in coding exon 185 of the TTN gene, results from a C to T substitution at nucleotide position 78032. The serine at codon 26011 is replaced by leucine, an amino acid with dissimilar properties. This amino acid position is not well conserved in available vertebrate species, and leucine is the reference amino acid in other vertebrate species. In addition, this alteration is predicted to be tolerated by in silico analysis. Since supporting evidence is limited at this time, the clinical significance of this alteration remains unclear.

Literature cited by the submitters: PubMed 25589632 (cited by Labcorp Genetics (formerly Invitae), Labcorp); PubMed 23975875 (cited by Labcorp Genetics (formerly Invitae), Labcorp).